The following is an entry in ClinVar:

NM_022165.3(LIN7B):c.37+8T>C

Genes: LIN7B (lin-7 homolog B, crumbs cell polarity complex component; plus strand), LOC130064901 (ATAC-STARR-seq lymphoblastoid silent region 10912; plus strand). Cytogenetic location: 19q13.33.
Variant type: single nucleotide variant.
Coding change: c.37+8T>C on transcript NM_022165.3 (MANE Select); 8 bases into the intron after coding-DNA position 37, T replaced by C.
Molecular consequence: intron variant.
Genome position (GRCh38, 1-based): chr19:49,114,449, T>C. VCF-style: chr19-49114449-T-C. GRCh37 (hg19) VCF-style: chr19-49617706-T-C.
Other names: c.37+8T>C (NM_001308419.2, NM_022165.2).
Identifiers: ClinVar variation 1279757 (VCV001279757.4), dbSNP rs10419132, ClinGen allele CA9566476.

ClinVar aggregate classification (germline): Benign. Review status: criteria provided, multiple submitters, no conflicts (2 of 4 stars). 3 submissions from 3 submitters: Benign (2). 1 of the submissions does not count toward it. Last evaluated 2020-02-05.

Conditions:
LIN7B-related disorder. Also called: LIN7B-related condition.

Allele frequency attached by ClinVar (database versions not stated): gnomAD exomes 0.37126; 1000 Genomes Project 0.37300; 1000 Genomes Project 30x 0.37601; gnomAD 0.38622 and 0.38756; TOPMed 0.39851.
gnomAD v4.1: 450,339 of 1,206,518 alleles (37%); highest among the groups gnomAD compares: African/African-American, 45%; 85,062 homozygotes.

Submissions (3):

GeneDx
Classification: Benign. Last evaluated: 2020-02-05. Review status: criteria provided, single submitter. Criteria: GeneDx Variant Classification Process June 2021. Collection method: clinical testing. Allele origin: germline. Affected: yes.

Breakthrough Genomics
Classification: Benign. Review status: criteria provided, single submitter. Criteria: ACMG Guidelines, 2015. Collection method: not provided. Allele origin: germline. Inheritance: Unknown mechanism. Affected: yes.

PreventionGenetics, part of Exact Sciences
Classification: Benign for LIN7B-related condition. Last evaluated: 2019-11-01. Review status: no assertion criteria provided. Collection method: clinical testing. Allele origin: germline. Not counted in ClinVar's aggregate classification.
Comment: This variant is classified as benign based on ACMG/AMP sequence variant interpretation guidelines (Richards et al. 2015 PMID: 25741868, with internal and published modifications).